The following is an entry in ClinVar:

NM_000238.4(KCNH2):c.1918T>G (p.Phe640Val)

Gene: KCNH2 (potassium voltage-gated channel subfamily H member 2; minus strand). Cytogenetic location: 7q36.1.
Variant type: single nucleotide variant.
Coding change: c.1918T>G on transcript NM_000238.4 (MANE Select); coding-DNA position 1918, T replaced by G.
Protein change: p.Phe640Val; replaces phenylalanine 640 with valine.
Molecular consequence: missense variant.
Genome position (GRCh38, 1-based): chr7:150,951,475, A>C on the plus strand (T>G on the coding strand, the complement: KCNH2 is on the minus strand). VCF-style: chr7-150951475-A-C. GRCh37 (hg19) VCF-style: chr7-150648563-A-C.
Other names: c.1918T>G (LRG_288t1); c.1741T>G, p.Phe581Val (NM_001406755.1); c.1630T>G, p.Phe544Val (NM_001406756.1, NM_001406753.1); c.1618T>G, p.Phe540Val (NM_001406757.1); c.1918T>G, p.Phe640Val (NM_172056.3); c.898T>G, p.Phe300Val (NM_172057.3, NM_001204798.2); short protein forms F300V, F640V, F581V, F540V, F544V.
Identifiers: ClinVar variation 67334 (VCV000067334.5), dbSNP rs199473529, ClinGen allele CA006019.
Genomic context (GRCh38, chr7:150,951,475, plus strand): 5'-CTCTCCCCGCCGCCCGCCCCTGGGCACACTCACAGCCAATGAGCATGACGCAGATGGAGA[A>C]GATCTTCTCTGAGTTGGTGTTGGGAGAGACGTTGCCGAAGCCCACACTGGTGAGGCTGCT-3'
Protein context (NP_000229.1, residues 630-650): VSPNTNSEKI[Phe640Val]SICVMLIGSL

ClinVar aggregate classification (germline): Uncertain significance. Review status: criteria provided, single submitter (1 of 4 stars). 2 submissions from 2 submitters: Uncertain significance (1). 1 of the submissions does not count toward it. Last evaluated 2024-04-15.

Conditions:
Familial long QT syndrome (RWS). Also called: Congenital long QT syndrome; Romano-Ward syndrome; VENTRICULAR FIBRILLATION WITH PROLONGED QT INTERVAL. Identifiers: Orphanet 768, MedGen C1141890, MONDO:0019171.
Long QT syndrome (LQTS). Identifiers: MedGen C0023976, MeSH D008133, MONDO:0002442. Disease mechanism: loss of function. Inheritance: Various modes of inheritance.

Submissions (2):

Labcorp Genetics (formerly Invitae), Labcorp
Classification: Uncertain significance for Long QT syndrome. Last evaluated: 2024-04-15. Review status: criteria provided, single submitter. Criteria: Invitae Variant Classification Sherloc (09022015). Collection method: clinical testing. Allele origin: germline.
Comment: This sequence change replaces phenylalanine, which is neutral and non-polar, with valine, which is neutral and non-polar, at codon 640 of the KCNH2 protein (p.Phe640Val). This variant is not present in population databases (gnomAD no frequency). This missense change has been observed in individual(s) with long QT syndrome (PMID: 22949429). ClinVar contains an entry for this variant (Variation ID: 67334). An algorithm developed to predict the effect of missense changes on protein structure and function (PolyPhen-2) suggests that this variant is likely to be disruptive. Experimental studies have shown that this missense change affects KCNH2 function (PMID: 15851652, 16432067, 18551196, 23303164). This variant disrupts the p.Phe640 amino acid residue in KCNH2. Other variant(s) that disrupt this residue have been observed in individuals with KCNH2-related conditions (PMID: 22949429), which suggests that this may be a clinically significant amino acid residue. In summary, the available evidence is currently insufficient to determine the role of this variant in disease. Therefore, it has been classified as a Variant of Uncertain Significance.

Cardiovascular Biomedical Research Unit, Royal Brompton & Harefield NHS Foundation Trust
No classification provided. Condition: Familial long QT syndrome. Review status: no classification provided. Collection method: literature only. Allele origin: germline. Not counted in ClinVar's aggregate classification.
Comment: This variant has been reported as associated with Long QT syndrome in the following publications (PMID:15840476;PMID:16432067;PMID:19841300). This is a literature report, and does not necessarily reflect the clinical interpretation of the Imperial College / Royal Brompton Cardiovascular Genetics laboratory.

Literature cited by the submitters: PubMed 22949429 (cited by Labcorp Genetics (formerly Invitae), Labcorp); PubMed 15851652 (cited by Labcorp Genetics (formerly Invitae), Labcorp); PubMed 16432067 (cited by Labcorp Genetics (formerly Invitae), Labcorp and Cardiovascular Biomedical Research Unit, Royal Brompton & Harefield NHS Foundation Trust); PubMed 18551196 (cited by Labcorp Genetics (formerly Invitae), Labcorp); PubMed 23303164 (cited by Labcorp Genetics (formerly Invitae), Labcorp); PubMed 15840476 (cited by Cardiovascular Biomedical Research Unit, Royal Brompton & Harefield NHS Foundation Trust); PubMed 19841300 (cited by Cardiovascular Biomedical Research Unit, Royal Brompton & Harefield NHS Foundation Trust); PubMed 22581653 (cited by Cardiovascular Biomedical Research Unit, Royal Brompton & Harefield NHS Foundation Trust).